The following is an entry in ClinVar:

ClinVar aggregate classification (germline): Pathogenic (1 of 4 stars; one submission).

Conditions:
Bethlem myopathy 1A. Also called: MYOPATHY, BENIGN CONGENITAL, WITH CONTRACTURES; Bethlem myopathy 1; Bethlem Muscular Dystrophy. Identifiers: Orphanet 610, MedGen CN029274, MONDO:0024530, OMIM 158810.

Submission:

Labcorp Genetics (formerly Invitae), Labcorp
Classification: Pathogenic for Bethlem myopathy 1A. Last evaluated: 2025-06-27. Review status: criteria provided, single submitter. Criteria: Invitae Variant Classification Sherloc (09022015). Collection method: clinical testing. Allele origin: germline.
Comment: This sequence change creates a premature translational stop signal (p.Phe2099*) in the COL6A3 gene. It is expected to result in an absent or disrupted protein product. Loss-of-function variants in COL6A3 are known to be pathogenic (PMID: 26004199). This variant is not present in population databases (gnomAD no frequency). This variant has not been reported in the literature in individuals affected with COL6A3-related conditions. Algorithms developed to predict the effect of sequence changes on RNA splicing suggest that this variant may disrupt the consensus splice site. For these reasons, this variant has been classified as Pathogenic.

Literature cited by the submitters: PubMed 26004199.

NM_004369.4(COL6A3):c.6296_6304del (p.Phe2099_Glu2102delinsTer)

Genes: COL6A3 (collagen type VI alpha 3 chain; minus strand), LOC122889011 (Sharpr-MPRA regulatory region 1020; plus strand). Cytogenetic location: 2q37.3.
Variant type: Deletion.
Coding change: c.6296_6304del on transcript NM_004369.4 (MANE Select); coding-DNA positions 6296 to 6304, 9 bases deleted (TCCCAGGAG; older notation c.6296_6304delTCCCAGGAG).
Protein change: p.Phe2099_Glu2102delinsTer.
Molecular consequence: nonsense.
Genome position (GRCh38, 1-based): chr2:237,359,367-237,359,375, CTCCTGGGA deleted on the plus strand (TCCCAGGAG on the coding strand, the reverse complement: COL6A3 is on the minus strand). VCF-style (leftmost placement, unchanged base first): chr2-237359366-TCTCCTGGGA-T. GRCh37 (hg19) VCF-style: chr2-238268009-TCTCCTGGGA-T.
Other names: c.4475_4483del, p.Phe1492_Glu1495delinsTer (NM_057166.5); c.5678_5686del, p.Phe1893_Glu1896delinsTer (NM_057167.4).
Identifiers: ClinVar variation 4711092 (VCV004711092.1).